The following is an entry in ClinVar:

NM_000182.5(HADHA):c.2192A>T (p.Asp731Val)

Genes: GAREM2 (GRB2 associated regulator of MAPK1 subtype 2; plus strand), HADHA (hydroxyacyl-CoA dehydrogenase trifunctional multienzyme complex subunit alpha; minus strand). Cytogenetic location: 2p23.3.
Variant type: single nucleotide variant.
Coding change: c.2192A>T on transcript NM_000182.5 (MANE Select); coding-DNA position 2192, A replaced by T.
Protein change: p.Asp731Val; replaces aspartic acid 731 with valine.
Molecular consequence: missense variant.
Genome position (GRCh38, 1-based): chr2:26,191,350, T>A on the plus strand (A>T on the coding strand, the complement: HADHA is on the minus strand). VCF-style: chr2-26191350-T-A. GRCh37 (hg19) VCF-style: chr2-26414219-T-A.
Other names: short protein forms D731V.
Identifiers: ClinVar variation 895996 (VCV000895996.5), dbSNP rs775428463, ClinGen allele CA1559327.

ClinVar aggregate classification (germline): Uncertain significance. Review status: criteria provided, multiple submitters, no conflicts (2 of 4 stars). 3 submissions from 2 submitters: Uncertain significance (3). Last evaluated 2025-04-03.

Conditions:
Long chain 3-hydroxyacyl-CoA dehydrogenase deficiency. Also called: Deficiency of long-chain 3-hydroxyacyl-coenzyme A dehydrogenase; LCHAD Deficiency. Identifiers: Orphanet 5, MedGen C3711645, MONDO:0012173, OMIM 609016.
Mitochondrial trifunctional protein deficiency. Identifiers: Orphanet 746, MedGen C1969443, MONDO:0012172.

Allele frequency attached by ClinVar (database versions not stated): gnomAD exomes below 0.00001; gnomAD 0.00001; ExAC 0.00002.
gnomAD v4.1: 6 of 1,614,000 alleles (0.00037%); highest among the groups gnomAD compares: Non-Finnish European, 0.00042%; no homozygotes.

Submissions (3):

ARUP Laboratories, Molecular Genetics and Genomics, ARUP Laboratories
Classification: Uncertain significance. Last evaluated: 2025-04-03. Review status: criteria provided, single submitter. Criteria: ARUP Molecular Germline Variant Investigation Process 2024. Collection method: clinical testing. Allele origin: germline.
Comment: The HADHA c.2192A>T; p.Asp731Val variant (rs775428463), to our knowledge, is not reported in the medical literature but is reported in ClinVar (Variation ID: 895996). This variant is only observed on two alleles in the Genome Aggregation Database (v2.1.1), indicating it is not a common polymorphism. Computational analyses are uncertain whether this variant is neutral or deleterious (REVEL: 0.523). Due to limited information, the clinical significance of this variant is uncertain at this time.

Illumina Laboratory Services, Illumina
Classification: Uncertain significance for Long chain 3-hydroxyacyl-CoA dehydrogenase deficiency. Last evaluated: 2018-01-13. Review status: criteria provided, single submitter. Criteria: ICSL Variant Classification Criteria 13 December 2019. Collection method: clinical testing. Allele origin: germline.

Illumina Laboratory Services, Illumina
Classification: Uncertain significance for Mitochondrial trifunctional protein deficiency 1. Last evaluated: 2018-01-13. Review status: criteria provided, single submitter. Criteria: ICSL Variant Classification Criteria 13 December 2019. Collection method: clinical testing. Allele origin: germline.